The following is an entry in ClinVar:

NM_199420.4(POLQ):c.1785C>G (p.Ile595Met)

Gene: POLQ (DNA polymerase theta; minus strand). Cytogenetic location: 3q13.33.
Variant type: single nucleotide variant.
Coding change: c.1785C>G on transcript NM_199420.4 (MANE Select); coding-DNA position 1785, C replaced by G.
Protein change: p.Ile595Met; replaces isoleucine 595 with methionine.
Molecular consequence: missense variant.
Genome position (GRCh38, 1-based): chr3:121,510,070, G>C on the plus strand (C>G on the coding strand, the complement: POLQ is on the minus strand). VCF-style: chr3-121510070-G-C. GRCh37 (hg19) VCF-style: chr3-121228917-G-C.
Other names: short protein forms I595M.
Identifiers: ClinVar variation 2625829 (VCV002625829.2), dbSNP rs2546802539, ClinGen allele CA354114399.

ClinVar aggregate classification (germline): Uncertain significance (1 of 4 stars; one submission).

Submission:

Ambry Genetics
Classification: Uncertain significance. Last evaluated: 2023-07-09. Review status: criteria provided, single submitter. Criteria: Ambry Variant Classification Scheme 2023. Collection method: clinical testing. Allele origin: germline.
Comment: The p.I595M variant (also known as c.1785C>G), located in coding exon 11 of the POLQ gene, results from a C to G substitution at nucleotide position 1785. The isoleucine at codon 595 is replaced by methionine, an amino acid with highly similar properties. This amino acid position is conserved. In addition, this alteration is predicted to be tolerated by in silico analysis. Since supporting evidence is limited at this time, the clinical significance of this alteration remains unclear.